The following is an entry in ClinVar:

NM_018489.3(ASH1L):c.5285C>T (p.Pro1762Leu)

Gene: ASH1L (ASH1 like histone lysine methyltransferase; minus strand). Cytogenetic location: 1q22.
Variant type: single nucleotide variant.
Coding change: c.5285C>T on transcript NM_018489.3 (MANE Select); coding-DNA position 5285, C replaced by T.
Protein change: p.Pro1762Leu; replaces proline 1762 with leucine.
Molecular consequence: missense variant.
Genome position (GRCh38, 1-based): chr1:155,438,870, G>A on the plus strand (C>T on the coding strand, the complement: ASH1L is on the minus strand). VCF-style: chr1-155438870-G-A. GRCh37 (hg19) VCF-style: chr1-155408661-G-A.
Other names: c.5285C>T, p.Pro1762Leu (NM_001366177.2); short protein forms P1762L.
Identifiers: ClinVar variation 1805343 (VCV001805343.1), dbSNP rs1558106533, ClinGen allele CA342691858.
Genomic context (GRCh38, chr1:155,438,870, plus strand): 5'-AGGAGTGAGATGCTATTATTGCAAGAGTCACTTGTGACTGCAGGCACTAAAAGGCTGTCT[G>A]GTTTTCCCAGGGTTCGGTCCTTGCTGTGGCTACGGCCTGGACTGGAAGAAGGTGGTGCAG-3'
Protein context (NP_060959.2, residues 1752-1772): SHSKDRTLGK[Pro1762Leu]DSLLVPAVTS

ClinVar aggregate classification (germline): Uncertain significance (1 of 4 stars; one submission).

Conditions:
Intellectual developmental disorder, autosomal dominant 52. Also called: Intellectual disability, autosomal dominant 52; Mental retardation, autosomal dominant 52. Identifiers: MedGen C4540478, MONDO:0030918, OMIM 617796.

Allele frequency attached by ClinVar (database versions not stated): gnomAD exomes 0.00001.
gnomAD v4.1: 18 of 1,614,166 alleles (0.0011%); highest among the groups gnomAD compares: Non-Finnish European, 0.0014%; no homozygotes.

Submission:

Victorian Clinical Genetics Services, Murdoch Childrens Research Institute
Classification: Uncertain significance for Intellectual developmental disorder, autosomal dominant 52. Last evaluated: 2020-10-19. Review status: criteria provided, single submitter. Criteria: ACMG Guidelines, 2015. Collection method: clinical testing. Allele origin: germline. Inheritance: Autosomal dominant inheritance. Affected: yes.
Comment: Based on the classification scheme VCGS_Germline_v1.3.3, this variant is classified as VUS - 3B. Following criteria are met: 0102 - Loss of function is a known mechanism of disease in this gene and is associated with ASH1L-related intellectual disability. (I) 0107 - This gene is associated with autosomal dominant disease. (I) 0200 - Variant is predicted to result in a missense amino acid change from proline to leucine. (I) 0251 - This variant is heterozygous. (I) 0302 - Variant is present in gnomAD (v2) <0.001 for a dominant condition (1 heterozygote, 0 homozygotes). (SP) 0309 - An alternative amino acid change at the same position has been observed in gnomAD (v2) (2 heterozygotes, 1 homozygote). (I) 0502 - Missense variant with conflicting in silico predictions and uninformative conservation. (I) 0604 - Variant is not located in an established domain, motif, hotspot or informative constraint region. (I) 0705 - No comparable missense variants have previous evidence for pathogenicity. (I) 0807 - This variant has no previous evidence of pathogenicity. (I) 0905 - No published segregation evidence has been identified for this variant. (I) 1007 - No published functional evidence has been identified for this variant. (I) 1208 - Inheritance information for this variant is not currently available in this individual. (I) Legend: (SP) - Supporting pathogenic, (I) - Information, (SB) - Supporting benign